The following is an entry in ClinVar:

ClinVar aggregate classification (germline): Uncertain significance (1 of 4 stars; one submission).

Conditions:
Cardiomyopathy (CMYO). Also called: Cardiomyopathies. Identifiers: Orphanet 167848, MedGen C0878544, MONDO:0004994, HP:0001638. Inheritance: Various modes of inheritance.

Submission:

Color Diagnostics, LLC DBA Color Health
Classification: Uncertain significance for Cardiomyopathy. Last evaluated: 2023-03-28. Review status: criteria provided, single submitter. Criteria: ACMG Guidelines, 2015. Collection method: clinical testing. Allele origin: germline.
Comment: This variant inserts 5 nucleotides in exon 27 of the MYH7 gene, creating a frameshift and premature translation stop signal. This variant is expected to result in an absent or non-functional protein product. To our knowledge, this variant has not been reported in individuals affected with MYH7-related disorders in the literature. This variant has not been identified in the general population by the Genome Aggregation Database (gnomAD). The role of MYH7 truncation variants in autosomal dominant cardiomyopathy is not clearly understood. The available evidence is insufficient to determine the role of this variant in disease conclusively. Therefore, this variant is classified as a Variant of Uncertain Significance.

NM_000257.4(MYH7):c.3572_3573insAGTGG (p.Leu1192fs)

Gene: MYH7 (myosin heavy chain 7; minus strand). Cytogenetic location: 14q11.2.
Variant type: Insertion.
Coding change: c.3572_3573insAGTGG on transcript NM_000257.4 (MANE Select); coding-DNA positions 3572 to 3573, AGTGG inserted.
Protein change: p.Leu1192fs; shifts the reading frame from leucine 1192.
Molecular consequence: frameshift variant.
Genome position: GRCh38 VCF-style: chr14-23419998-G-GCCACT. GRCh37 (hg19) VCF-style: chr14-23889207-G-GCCACT.
Other names: c.3572_3573insAGTGG, p.Leu1192fs (NM_001407004.1); short protein forms L1192fs.
Identifiers: ClinVar variation 2773911 (VCV002773911.2), dbSNP rs2502264280, ClinGen allele CA2697553861.
Genomic context (GRCh38, chr14:23,419,998, plus strand): 5'-CTGCAGGTTGTCGATCTGCTCGCCCAGCTCGGCCACGCTGTCGGCGTGCTTCTTGCGCAG[G>GCCACT]GCCGCGGCAGTGGCCTCGTGCTGCAGCGTGGCCTCCTCCAGGTCCCGCCGCATCTTCTGG-3'